The following is an entry in ClinVar:

ClinVar aggregate classification (germline): Uncertain significance (1 of 4 stars; one submission).

Submission:

Labcorp Genetics (formerly Invitae), Labcorp
Classification: Uncertain significance. Last evaluated: 2023-06-29. Review status: criteria provided, single submitter. Criteria: Invitae Variant Classification Sherloc (09022015). Collection method: clinical testing. Allele origin: germline.
Comment: This sequence change replaces histidine, which is basic and polar, with tyrosine, which is neutral and polar, at codon 247 of the KIF22 protein (p.His247Tyr). This variant is not present in population databases (gnomAD no frequency). This variant has not been reported in the literature in individuals affected with KIF22-related conditions. Advanced modeling of protein sequence and biophysical properties (such as structural, functional, and spatial information, amino acid conservation, physicochemical variation, residue mobility, and thermodynamic stability) performed at Invitae indicates that this missense variant is expected to disrupt KIF22 protein function. In summary, the available evidence is currently insufficient to determine the role of this variant in disease. Therefore, it has been classified as a Variant of Uncertain Significance.

NM_007317.3(KIF22):c.739C>T (p.His247Tyr)

Gene: KIF22 (kinesin family member 22; plus strand). Cytogenetic location: 16p11.2.
Variant type: single nucleotide variant.
Coding change: c.739C>T on transcript NM_007317.3 (MANE Select); coding-DNA position 739, C replaced by T.
Protein change: p.His247Tyr; replaces histidine 247 with tyrosine.
Molecular consequence: missense variant.
Genome position (GRCh38, 1-based): chr16:29,799,164, C>T. VCF-style: chr16-29799164-C-T. GRCh37 (hg19) VCF-style: chr16-29810485-C-T.
Other names: c.535C>T, p.His179Tyr (NM_001256269.2, NM_001256270.1); short protein forms H179Y, H247Y.
Identifiers: ClinVar variation 2855273 (VCV002855273.3), dbSNP rs2543273868, ClinGen allele CA395453061.